The following is an entry in ClinVar:

NM_000051.4(ATM):c.7138A>T (p.Arg2380Ter)

Genes: ATM (ATM serine/threonine kinase; plus strand), C11orf65 (chromosome 11 open reading frame 65; minus strand). Cytogenetic location: 11q22.3.
Variant type: single nucleotide variant.
Coding change: c.7138A>T on transcript NM_000051.4 (MANE Select); coding-DNA position 7138, A replaced by T.
Protein change: p.Arg2380Ter; replaces arginine 2380 with a stop codon.
Molecular consequence: nonsense. On other transcripts: intron variant (2).
Genome position (GRCh38, 1-based): chr11:108,329,069, A>T. VCF-style: chr11-108329069-A-T. GRCh37 (hg19) VCF-style: chr11-108199796-A-T.
Other names: c.7138A>T, p.Arg2380Ter (NM_001351834.2); c.641-19998T>A (NM_001330368.2); c.*38+6151T>A (NM_001351110.2); short protein forms R2380*.
Identifiers: ClinVar variation 3729613 (VCV003729613.2).

ClinVar aggregate classification (germline): Pathogenic (1 of 4 stars; one submission).

Conditions:
Ataxia-telangiectasia syndrome (AT). Also called: Ataxia-telangiectasia, complementation group D; AT, COMPLEMENTATION GROUP C; ATAXIA-TELANGIECTASIA, COMPLEMENTATION GROUP A; ATAXIA-TELANGIECTASIA, FRESNO VARIANT; Ataxia-telangiectasia; Ataxia-telangiectasia, complementation group E. Identifiers: Orphanet 100, MedGen C0004135, MONDO:0008840, OMIM 208900.

Submission:

Labcorp Genetics (formerly Invitae), Labcorp
Classification: Pathogenic for Ataxia-telangiectasia syndrome. Last evaluated: 2025-01-26. Review status: criteria provided, single submitter. Criteria: Invitae Variant Classification Sherloc (09022015). Collection method: clinical testing. Allele origin: germline.
Comment: This sequence change creates a premature translational stop signal (p.Arg2380*) in the ATM gene. It is expected to result in an absent or disrupted protein product. Loss-of-function variants in ATM are known to be pathogenic (PMID: 23807571, 25614872). This variant is not present in population databases (gnomAD no frequency). This variant has not been reported in the literature in individuals affected with ATM-related conditions. For these reasons, this variant has been classified as Pathogenic.

Literature cited by the submitters: PubMed 23807571; PubMed 25614872.